The following is an entry in ClinVar:

ClinVar aggregate classification (germline): Likely benign (1 of 4 stars; one submission).

Conditions:
BRCA1-related disorder. Also called: BRCA1-related condition.

Submission:

PreventionGenetics, part of Exact Sciences
Classification: Likely benign for BRCA1-related condition. Last evaluated: 2025-07-09. Review status: criteria provided, single submitter. Criteria: ACMG Guidelines, 2015. Collection method: clinical testing. Allele origin: germline.
Comment: This variant is classified as likely benign based on ACMG/AMP sequence variant interpretation guidelines (Richards et al. 2015 PMID: 25741868, with internal and published modifications).

NM_007294.4(BRCA1):c.*797C>A

Gene: BRCA1 (BRCA1 DNA repair associated; minus strand). Cytogenetic location: 17q21.31.
Variant type: single nucleotide variant.
Coding change: c.*797C>A on transcript NM_007294.4 (MANE Select); 797 bases downstream of the stop codon, C replaced by A.
Molecular consequence: 3 prime UTR variant.
Genome position (GRCh38, 1-based): chr17:43,044,881, G>T on the plus strand (C>A on the coding strand, the complement: BRCA1 is on the minus strand). VCF-style: chr17-43044881-G-T. GRCh37 (hg19) VCF-style: chr17-41196898-G-T.
Other names: c.*797C>A (NM_001407627.1, NM_001407628.1, NM_001407629.1 and 347 more transcripts); c.*903C>A (NM_001407854.1, NM_001407858.1, NM_001407859.1 and 14 more transcripts).
Identifiers: ClinVar variation 4989749 (VCV004989749.1).